The following is an entry in ClinVar:

NM_001348716.2(KDM6B):c.816_818del (p.Pro273del)

Gene: KDM6B (lysine demethylase 6B; plus strand). Cytogenetic location: 17p13.1.
Variant type: Deletion.
Coding change: c.816_818del on transcript NM_001348716.2 (MANE Select); coding-DNA positions 816 to 818, 3 bases deleted (CCC; older notation c.816_818delCCC).
Protein change: p.Pro273del; deletes proline 273.
Molecular consequence: inframe deletion.
Genome position (GRCh38, 1-based): chr17:7,846,923-7,846,925, CCC deleted; deleting any 3 consecutive bases within chr17:7,846,920-7,846,925 gives the same sequence; the c. name uses the placement nearest the transcript's 3' end. VCF-style (leftmost placement, unchanged base first): chr17-7846919-GCCC-G. GRCh37 (hg19) VCF-style: chr17-7750237-GCCC-G.
Other names: c.816_818del, p.Pro273del (NM_001080424.2); short protein forms P273del.
Identifiers: ClinVar variation 5005837 (VCV005005837.2).

ClinVar aggregate classification (germline): Uncertain significance (1 of 4 stars; one submission).

Conditions:
Neurodevelopmental disorder with coarse facies and mild distal skeletal abnormalities. Also called: STOLERMAN NEURODEVELOPMENTAL SYNDROME. Identifiers: MedGen C5193134, MONDO:0032790, OMIM 618505.

Submission:

Juno Genomics, Hangzhou Juno Genomics, Inc
Classification: Uncertain significance for Neurodevelopmental disorder with coarse facies and mild distal skeletal abnormalities. Review status: criteria provided, single submitter. Criteria: ACMG Guidelines, 2015. Collection method: clinical testing. Allele origin: germline.
Comment: Absent from controls (or at extremely low frequency if recessive) in Genome Aggregation Database.;Protein length changes due to in-frame deletions/insertions in a non-repeat region or stop-loss variants.